The following is an entry in ClinVar:

NM_001330078.2(NRXN1):c.2272A>G (p.Thr758Ala)

Gene: NRXN1 (neurexin 1; minus strand). Cytogenetic location: 2p16.3.
Variant type: single nucleotide variant.
Coding change: c.2272A>G on transcript NM_001330078.2 (MANE Select); coding-DNA position 2272, A replaced by G.
Protein change: p.Thr758Ala; replaces threonine 758 with alanine.
Molecular consequence: missense variant.
Genome position (GRCh38, 1-based): chr2:50,531,302, T>C on the plus strand (A>G on the coding strand, the complement: NRXN1 is on the minus strand). VCF-style: chr2-50531302-T-C. GRCh37 (hg19) VCF-style: chr2-50758440-T-C.
Other names: c.2269A>G, p.Thr757Ala (NM_001330093.2); c.2260A>G, p.Thr754Ala (NM_001330094.2); c.2248A>G, p.Thr750Ala (NM_001330095.2, NM_001330077.2, NM_001330082.2); c.2188A>G, p.Thr730Ala (NM_001330096.2, NM_001330087.2); c.2272A>G, p.Thr758Ala (NM_004801.6, NM_001330085.2, NM_001330086.2); c.2392A>G, p.Thr798Ala (NM_001135659.3); c.2233A>G, p.Thr745Ala (NM_001330083.2, NM_001330084.2); c.2218A>G, p.Thr740Ala (NM_001330088.2); short protein forms T730A, T740A, T745A, T750A, T754A, T757A, T758A, T798A.
Identifiers: ClinVar variation 2650905 (VCV002650905.24), dbSNP rs2465580470, ClinGen allele CA346769553.

ClinVar aggregate classification (germline): Uncertain significance (1 of 4 stars; one submission).

Submission:

CeGaT Center for Human Genetics Tuebingen
Classification: Uncertain significance. Last evaluated: 2023-02-01. Review status: criteria provided, single submitter. Criteria: CeGaT Center For Human Genetics Tuebingen Variant Classification Criteria Version 2. Collection method: clinical testing. Allele origin: germline. Affected: yes. Observed: 1 variant allele.
Comment: NRXN1: PM2